The following is an entry in ClinVar:

NM_201596.3(CACNB2):c.340C>G (p.Pro114Ala)

Gene: CACNB2 (calcium voltage-gated channel auxiliary subunit beta 2; plus strand). Cytogenetic location: 10p12.31.
Variant type: single nucleotide variant.
Coding change: c.340C>G on transcript NM_201596.3 (MANE Select); coding-DNA position 340, C replaced by G.
Protein change: p.Pro114Ala; replaces proline 114 with alanine.
Molecular consequence: missense variant.
Genome position (GRCh38, 1-based): chr10:18,498,361, C>G. VCF-style: chr10-18498361-C-G. GRCh37 (hg19) VCF-style: chr10-18787290-C-G.
Other names: c.175C>G, p.Pro59Ala (NM_000724.4, NM_001330060.2); c.256C>G, p.Pro86Ala (NM_001167945.2, NM_201571.4, NM_201572.4); c.196C>G, p.Pro66Ala (NM_201570.3); c.178C>G, p.Pro60Ala (NM_201590.3); c.340C>G, p.Pro114Ala (NM_201593.3, NM_201597.3); short protein forms P66A, P114A, P59A, P60A, P86A.
Identifiers: ClinVar variation 953245 (VCV000953245.11), dbSNP rs768218683, ClinGen allele CA376056614.
Genomic context (GRCh38, chr10:18,498,361, plus strand): 5'-AGGGACAGTGTTGTTTTGCTCTTATTTTTTTCCCTCTTCCTTTTCCCACTTTAGACAAAG[C>G]CCGTTGCATTTGCGGTTCGGACAAATGTCAGCTACAGTGCGGCCCATGAAGATGATGTTC-3'
Protein context (NP_963890.2, residues 104-124): QAQLEKAKTK[Pro114Ala]VAFAVRTNVS

ClinVar aggregate classification (germline): Uncertain significance. Review status: criteria provided, multiple submitters, no conflicts (2 of 4 stars). 2 submissions from 2 submitters: Uncertain significance (2). Last evaluated 2026-01-17.

Conditions:
Brugada syndrome 4 (BRGDA4). Identifiers: Orphanet 130, MedGen C2678477, MONDO:0012743, OMIM 611876.
Cardiovascular phenotype. Identifiers: MedGen CN230736.

Allele frequency attached by ClinVar (database versions not stated): gnomAD 0.00001; TOPMed below 0.00001.
gnomAD v4.1: 9 of 1,614,112 alleles (0.00056%); highest among the groups gnomAD compares: Middle Eastern, 0.049%; no homozygotes.

Submissions (2):

Ambry Genetics
Classification: Uncertain significance for Cardiovascular phenotype. Last evaluated: 2026-01-17. Review status: criteria provided, single submitter. Criteria: Ambry Variant Classification Scheme 2023. Collection method: clinical testing. Allele origin: germline.
Comment: The p.P60A variant (also known as c.178C>G), located in coding exon 3 of the CACNB2 gene, results from a C to G substitution at nucleotide position 178. The proline at codon 60 is replaced by alanine, an amino acid with highly similar properties. This amino acid position is conserved. In addition, this alteration is predicted to be deleterious by in silico analysis. Based on the available evidence, the clinical significance of this variant remains unclear.

Labcorp Genetics (formerly Invitae), Labcorp
Classification: Uncertain significance for Brugada syndrome 4. Last evaluated: 2024-12-26. Review status: criteria provided, single submitter. Criteria: Invitae Variant Classification Sherloc (09022015). Collection method: clinical testing. Allele origin: germline.
Comment: This sequence change replaces proline, which is neutral and non-polar, with alanine, which is neutral and non-polar, at codon 60 of the CACNB2 protein (p.Pro60Ala). This variant is present in population databases (no rsID available, gnomAD 0.0009%). This variant has not been reported in the literature in individuals affected with CACNB2-related conditions. ClinVar contains an entry for this variant (Variation ID: 953245). Invitae Evidence Modeling of protein sequence and biophysical properties (such as structural, functional, and spatial information, amino acid conservation, physicochemical variation, residue mobility, and thermodynamic stability) indicates that this missense variant is not expected to disrupt CACNB2 protein function with a negative predictive value of 80%. In summary, the available evidence is currently insufficient to determine the role of this variant in disease. Therefore, it has been classified as a Variant of Uncertain Significance.